The following is an entry in ClinVar:

NM_001142416.2(AIMP1):c.357C>T (p.Asp119=)

Gene: AIMP1 (aminoacyl tRNA synthetase complex interacting multifunctional protein 1; plus strand). Cytogenetic location: 4q24.
Variant type: single nucleotide variant.
Coding change: c.357C>T on transcript NM_001142416.2 (MANE Select); coding-DNA position 357, C replaced by T.
Protein change: p.Asp119=; no amino-acid change (aspartic acid 119 retained).
Molecular consequence: synonymous variant.
Genome position (GRCh38, 1-based): chr4:106,328,209, C>T. VCF-style: chr4-106328209-C-T. GRCh37 (hg19) VCF-style: chr4-107249366-C-T.
Other names: c.357C>T, p.Asp119= (NM_001142415.2, NM_004757.4).
Identifiers: ClinVar variation 732534 (VCV000732534.33), dbSNP rs146841053, ClinGen allele CA3035690.

ClinVar aggregate classification (germline): Benign/Likely benign. Review status: criteria provided, multiple submitters, no conflicts (2 of 4 stars). 3 submissions from 3 submitters: Benign (1); Likely benign (2). Last evaluated 2025-12-27.

Allele frequency attached by ClinVar (database versions not stated): 1000 Genomes Project 0.00200; 1000 Genomes Project 30x 0.00203; ESP Exome Variant Server 0.00108; gnomAD 0.00110 and 0.00113; TOPMed 0.00119.
gnomAD v4.1: 537 of 1,610,524 alleles (0.033%); highest among the groups gnomAD compares: African/African-American, 0.33%; 2 homozygotes.

Submissions (3):

Labcorp Genetics (formerly Invitae), Labcorp
Classification: Benign. Last evaluated: 2025-12-27. Review status: criteria provided, single submitter. Criteria: Invitae Variant Classification Sherloc (09022015). Collection method: clinical testing. Allele origin: germline.

Blueprint Genetics
Classification: Likely benign. Last evaluated: 2024-11-14. Review status: criteria provided, single submitter. Criteria: ACMG Guidelines, 2015. Collection method: clinical testing. Allele origin: germline.

CeGaT Center for Human Genetics Tuebingen
Classification: Likely benign. Last evaluated: 2023-09-01. Review status: criteria provided, single submitter. Criteria: CeGaT Center For Human Genetics Tuebingen Variant Classification Criteria Version 2. Collection method: clinical testing. Allele origin: germline. Affected: yes. Observed: 1 variant allele.
Comment: AIMP1: BP4, BP7